The following is an entry in ClinVar:

NM_000093.5(COL5A1):c.*2429T>C

Genes: COL5A1 (collagen type V alpha 1 chain; plus strand), LOC101448202 (uncharacterized LOC101448202; minus strand). Cytogenetic location: 9q34.3.
Variant type: single nucleotide variant.
Coding change: c.*2429T>C on transcript NM_000093.5 (MANE Select); 2429 bases downstream of the stop codon, T replaced by C.
Molecular consequence: 3 prime UTR variant.
Genome position (GRCh38, 1-based): chr9:134,844,732, T>C. VCF-style: chr9-134844732-T-C. GRCh37 (hg19) VCF-style: chr9-137736578-T-C.
Other names: c.*2429T>C (NM_001278074.1).
Identifiers: ClinVar variation 365793 (VCV000365793.7), dbSNP rs56031840, ClinGen allele CA10633209.
Genomic context (GRCh38, chr9:134,844,732, plus strand): 5'-TACAATGTCAAATGACACATTGTACGGTTTCAAAAAATCCGCTAGACATGTCATAAGTTT[T>C]AACTGTAATGCCCAGGAAAGGATATCTTAAAATATTCTAAACTTGTGTAACAAAGGAATA-3'

ClinVar aggregate classification (germline): Likely benign (1 of 4 stars; one submission).

Conditions:
Ehlers-Danlos syndrome, classic type (cEDS). Identifiers: Orphanet 287, MedGen C4225429, MONDO:0007522.

Allele frequency attached by ClinVar (database versions not stated): 1000 Genomes Project 0.00120; 1000 Genomes Project 30x 0.00141; gnomAD 0.00144 and 0.00148; TOPMed 0.00153.

Submission:

Illumina Laboratory Services, Illumina
Classification: Likely benign for Ehlers-Danlos syndrome, classic type, 1. Last evaluated: 2018-01-12. Review status: criteria provided, single submitter. Criteria: ICSL Variant Classification Criteria 13 December 2019. Collection method: clinical testing. Allele origin: germline.
Comment: This variant was observed in the ICSL laboratory as part of a predisposition screen in an ostensibly healthy population. It had not been previously curated by ICSL or reported in the Human Gene Mutation Database (HGMD: prior to June 1st, 2018), and was therefore a candidate for classification through an automated scoring system. Utilizing variant allele frequency, disease prevalence and penetrance estimates, and inheritance mode, an automated score was calculated to assess if this variant is too frequent to cause the disease. Based on the score and internal cut-off values, a variant classified as likely benign is not then subjected to further curation. The score for this variant resulted in a classification of likely benign for this disease.